The following is an entry in ClinVar:

ClinVar aggregate classification (germline): Uncertain significance (1 of 4 stars; one submission).

Allele frequency attached by ClinVar (database versions not stated): gnomAD exomes 0.00001.
gnomAD v4.1: 16 of 1,594,708 alleles (0.001%); highest among the groups gnomAD compares: Non-Finnish European, 0.0014%; no homozygotes.

Submission:

Labcorp Genetics (formerly Invitae), Labcorp
Classification: Uncertain significance. Last evaluated: 2023-04-08. Review status: criteria provided, single submitter. Criteria: Invitae Variant Classification Sherloc (09022015). Collection method: clinical testing. Allele origin: germline.
Comment: This sequence change replaces proline, which is neutral and non-polar, with serine, which is neutral and polar, at codon 18 of the C3 protein (p.Pro18Ser). This variant is not present in population databases (gnomAD no frequency). This variant has not been reported in the literature in individuals affected with C3-related conditions. Algorithms developed to predict the effect of missense changes on protein structure and function output the following: SIFT: "Not Available"; PolyPhen-2: "Not Available"; Align-GVGD: "Not Available". The serine amino acid residue is found in multiple mammalian species, which suggests that this missense change does not adversely affect protein function. In summary, the available evidence is currently insufficient to determine the role of this variant in disease. Therefore, it has been classified as a Variant of Uncertain Significance.

NM_000064.4(C3):c.52C>T (p.Pro18Ser)

Gene: C3 (complement C3; minus strand). Cytogenetic location: 19p13.3.
Variant type: single nucleotide variant.
Coding change: c.52C>T on transcript NM_000064.4 (MANE Select); coding-DNA position 52, C replaced by T.
Protein change: p.Pro18Ser; replaces proline 18 with serine.
Molecular consequence: missense variant.
Genome position (GRCh38, 1-based): chr19:6,720,538, G>A on the plus strand (C>T on the coding strand, the complement: C3 is on the minus strand). VCF-style: chr19-6720538-G-A. GRCh37 (hg19) VCF-style: chr19-6720549-G-A.
Other names: short protein forms P18S.
Identifiers: ClinVar variation 2970449 (VCV002970449.3), dbSNP rs1200505625, ClinGen allele CA403646397.